The following is an entry in ClinVar:

NM_001024630.4(RUNX2):c.400A>G (p.Lys134Glu)

Gene: RUNX2 (RUNX family transcription factor 2; plus strand). Cytogenetic location: 6p21.1.
Variant type: single nucleotide variant.
Coding change: c.400A>G on transcript NM_001024630.4 (MANE Select); coding-DNA position 400, A replaced by G.
Protein change: p.Lys134Glu; replaces lysine 134 with glutamic acid.
Molecular consequence: missense variant.
Genome position (GRCh38, 1-based): chr6:45,422,934, A>G. VCF-style: chr6-45422934-A-G. GRCh37 (hg19) VCF-style: chr6-45390671-A-G.
Other names: c.400A>G, p.Lys134Glu (NM_001015051.4); c.358A>G, p.Lys120Glu (NM_001278478.2, NM_001369405.1, NM_004348.3); short protein forms K120E, K134E.
Identifiers: ClinVar variation 1705657 (VCV001705657.1), dbSNP rs2548582235, ClinGen allele CA363958683.

ClinVar aggregate classification (germline): Uncertain significance (1 of 4 stars; one submission).

Conditions:
Cleidocranial dysostosis (CLCD1). Also called: cleidocranial dysplasia 1; Cleidocranial Dysplasia Spectrum Disorder; Marie-Sainton disease. Identifiers: Orphanet 1452, MedGen C0008928, MONDO:0007340, OMIM 119600.

Submission:

3billion
Classification: Uncertain significance for Cleidocranial dysostosis. Last evaluated: 2022-09-01. Review status: criteria provided, single submitter. Criteria: ACMG Guidelines, 2015. Collection method: clinical testing. Allele origin: germline. Affected: yes. Observed: 1 heterozygote.
Comment: The variant is not observed in the gnomAD v2.1.1 dataset. In silico tool predictions suggest damaging effect of the variant on gene or gene product (REVEL: 0.94; 3Cnet: 0.99). Same nucleotide change resulting in same amino acid change has been previously reported to be associated with RUNX2-related disorder (PMID: 30391578). However, the evidence of pathogenicity is insufficient at this time. Therefore, this variant is classified as uncertain significance according to the recommendation of ACMG/AMP guideline.

Literature cited by the submitters: PubMed 30391578.